The following is an entry in ClinVar:

NM_001077350.3(NPRL3):c.1516A>T (p.Asn506Tyr)

Genes: HBA-LCR (alpha-globin locus control region; plus strand), NPRL3 (NPR3 like, GATOR1 complex subunit; minus strand). Cytogenetic location: 16p13.3.
Variant type: single nucleotide variant.
Coding change: c.1516A>T on transcript NM_001077350.3 (MANE Select); coding-DNA position 1516, A replaced by T.
Protein change: p.Asn506Tyr; replaces asparagine 506 with tyrosine.
Molecular consequence: missense variant.
Genome position (GRCh38, 1-based): chr16:88,726, T>A on the plus strand (A>T on the coding strand, the complement: NPRL3 is on the minus strand). VCF-style: chr16-88726-T-A. GRCh37 (hg19) VCF-style: chr16-138725-T-A.
Other names: c.979A>T, p.Asn327Tyr (NM_001039476.3); c.1282A>T, p.Asn428Tyr (NM_001243247.2); c.1441A>T, p.Asn481Tyr (NM_001243248.2, NM_001243249.2); short protein forms N481Y, N506Y, N327Y, N428Y.
Identifiers: ClinVar variation 542804 (VCV000542804.38), dbSNP rs202015937, ClinGen allele CA7769303.

ClinVar aggregate classification (germline): Benign/Likely benign. Review status: criteria provided, multiple submitters, no conflicts (2 of 4 stars). 5 submissions from 5 submitters: Benign (1); Likely benign (4). Last evaluated 2026-03-01.

Conditions:
NPRL3-related disorder. Also called: NPRL3-related condition.
Epilepsy, familial focal, with variable foci 3 (FFEVF3). Identifiers: MedGen C4310708, MONDO:0014925, OMIM 617118.

Allele frequency attached by ClinVar (database versions not stated): ExAC 0.00070; gnomAD exomes 0.00072; gnomAD 0.00080 and 0.00086; TOPMed 0.00082; ESP Exome Variant Server 0.00140.
gnomAD v4.1: 2,223 of 1,613,032 alleles (0.14%); highest among the groups gnomAD compares: Non-Finnish European, 0.18%; 1 homozygote.

Submissions (5):

CeGaT Center for Human Genetics Tuebingen
Classification: Likely benign. Last evaluated: 2026-03-01. Review status: criteria provided, single submitter. Criteria: CeGaT Center For Human Genetics Tuebingen Variant Classification Criteria Version 2. Collection method: clinical testing. Allele origin: germline. Affected: yes. Observed: 8 variant alleles.
Comment: NPRL3: BS1

PreventionGenetics, part of Exact Sciences
Classification: Likely benign for NPRL3-related condition. Last evaluated: 2026-02-05. Review status: criteria provided, single submitter. Criteria: ACMG Guidelines, 2015. Collection method: clinical testing. Allele origin: germline.
Comment: This variant is classified as likely benign based on ACMG/AMP sequence variant interpretation guidelines (Richards et al. 2015 PMID: 25741868, with internal and published modifications).

Labcorp Genetics (formerly Invitae), Labcorp
Classification: Likely benign for Epilepsy, familial focal, with variable foci 3. Last evaluated: 2026-01-28. Review status: criteria provided, single submitter. Criteria: Invitae Variant Classification Sherloc (09022015). Collection method: clinical testing. Allele origin: germline.

Blueprint Genetics
Classification: Likely benign. Last evaluated: 2024-11-26. Review status: criteria provided, single submitter. Criteria: ACMG Guidelines, 2015. Collection method: clinical testing. Allele origin: germline.

GeneDx
Classification: Benign. Last evaluated: 2021-07-30. Review status: criteria provided, single submitter. Criteria: GeneDx Variant Classification Process June 2021. Collection method: clinical testing. Allele origin: germline. Affected: yes.